The following is an entry in ClinVar:

ClinVar aggregate classification (germline): Pathogenic (1 of 4 stars; one submission).

Submission:

Labcorp Genetics (formerly Invitae), Labcorp
Classification: Pathogenic. Last evaluated: 2024-02-11. Review status: criteria provided, single submitter. Criteria: Invitae Variant Classification Sherloc (09022015). Collection method: clinical testing. Allele origin: germline.
Comment: This sequence change affects an acceptor splice site in intron 11 of the CDHR1 gene. It is expected to disrupt RNA splicing. Variants that disrupt the donor or acceptor splice site typically lead to a loss of protein function (PMID: 16199547), and loss-of-function variants in CDHR1 are known to be pathogenic (PMID: 23044944, 23591405, 26103963, 26261414). This variant is not present in population databases (gnomAD no frequency). Disruption of this splice site has been observed in individual(s) with retinitis pigmentosa (PMID: 34926197). It has also been observed to segregate with disease in related individuals. Algorithms developed to predict the effect of sequence changes on RNA splicing suggest that this variant may disrupt the consensus splice site. For these reasons, this variant has been classified as Pathogenic.

Literature cited by the submitters: PubMed 16199547; PubMed 23044944; PubMed 23591405; PubMed 26103963; PubMed 26261414; PubMed 34926197.

NM_033100.4(CDHR1):c.1168-2A>G

Gene: CDHR1 (cadherin related family member 1; plus strand). Cytogenetic location: 10q23.1.
Variant type: single nucleotide variant.
Coding change: c.1168-2A>G on transcript NM_033100.4 (MANE Select); the canonical splice acceptor site of the intron before coding-DNA position 1168, A replaced by G.
Molecular consequence: splice acceptor variant.
Genome position (GRCh38, 1-based): chr10:84,208,727, A>G. VCF-style: chr10-84208727-A-G. GRCh37 (hg19) VCF-style: chr10-85968483-A-G.
Other names: c.1168-2A>G (NM_001171971.3).
Identifiers: ClinVar variation 3640228 (VCV003640228.2).